The following is an entry in ClinVar:

ClinVar aggregate classification (germline): Uncertain significance (1 of 4 stars; one submission).

Allele frequency attached by ClinVar (database versions not stated): TOPMed below 0.00001.
gnomAD v4.1: 8 of 1,614,048 alleles (0.0005%); no homozygotes.

Submission:

Labcorp Genetics (formerly Invitae), Labcorp
Classification: Uncertain significance. Last evaluated: 2023-06-15. Review status: criteria provided, single submitter. Criteria: Invitae Variant Classification Sherloc (09022015). Collection method: clinical testing. Allele origin: germline.
Comment: In summary, the available evidence is currently insufficient to determine the role of this variant in disease. Therefore, it has been classified as a Variant of Uncertain Significance. Algorithms developed to predict the effect of missense changes on protein structure and function output the following: SIFT: "Not Available"; PolyPhen-2: "Benign"; Align-GVGD: "Not Available". The leucine amino acid residue is found in multiple mammalian species, which suggests that this missense change does not adversely affect protein function. This variant has not been reported in the literature in individuals affected with VCAN-related conditions. This variant is not present in population databases (gnomAD no frequency). This sequence change replaces valine, which is neutral and non-polar, with leucine, which is neutral and non-polar, at codon 1701 of the VCAN protein (p.Val1701Leu).

NM_004385.5(VCAN):c.5101G>C (p.Val1701Leu)

Genes: VCAN (versican; plus strand), VCAN-AS1 (VCAN antisense RNA 1; minus strand). Cytogenetic location: 5q14.3.
Variant type: single nucleotide variant.
Coding change: c.5101G>C on transcript NM_004385.5 (MANE Select); coding-DNA position 5101, G replaced by C.
Protein change: p.Val1701Leu; replaces valine 1701 with leucine.
Molecular consequence: missense variant. On other transcripts: intron variant (2).
Genome position (GRCh38, 1-based): chr5:83,538,104, G>C. VCF-style: chr5-83538104-G-C. GRCh37 (hg19) VCF-style: chr5-82833923-G-C.
Other names: c.2140G>C, p.Val714Leu (NM_001164097.2); c.4004-7433G>C (NM_001164098.2); c.1043-7433G>C (NM_001126336.3); short protein forms V1701L, V714L.
Identifiers: ClinVar variation 3018970 (VCV003018970.3), dbSNP rs538311388, ClinGen allele CA360309676.
Genomic context (GRCh38, chr5:83,538,104, plus strand): 5'-TTTTTTGAGGTTCCTGCAACCACCATTTATCCAGTTTCTGAACAACCTTCTGCAAAAGTG[G>C]TGCCTACCAAGTTTGTAAGTGAAACAGACACTTCTGAGTGGATTTCCAGTACCACTGTTG-3'
Protein context (NP_004376.2, residues 1691-1711): PVSEQPSAKV[Val1701Leu]PTKFVSETDT